The following is an entry in ClinVar:

NM_004260.4(RECQL4):c.1045G>A (p.Asp349Asn)

Gene: RECQL4 (RecQ like helicase 4; minus strand). Cytogenetic location: 8q24.3.
Variant type: single nucleotide variant.
Coding change: c.1045G>A on transcript NM_004260.4 (MANE Select); coding-DNA position 1045, G replaced by A.
Protein change: p.Asp349Asn; replaces aspartic acid 349 with asparagine.
Molecular consequence: missense variant.
Genome position (GRCh38, 1-based): chr8:144,516,074, C>T on the plus strand (G>A on the coding strand, the complement: RECQL4 is on the minus strand). VCF-style: chr8-144516074-C-T. GRCh37 (hg19) VCF-style: chr8-145741458-C-T.
Other names: short protein forms D349N.
Identifiers: ClinVar variation 998736 (VCV000998736.3), dbSNP rs1045634487, ClinGen allele CA187688423.

ClinVar aggregate classification (germline): Uncertain significance (1 of 4 stars; one submission).

Conditions:
Baller-Gerold syndrome (BGS). Also called: CRANIOSYNOSTOSIS WITH RADIAL DEFECTS. Identifiers: Orphanet 1225, MedGen C0265308, MONDO:0009039, OMIM 218600.

Allele frequency attached by ClinVar (database versions not stated): gnomAD exomes below 0.00001; gnomAD 0.00001; TOPMed 0.00001.

Submission:

Labcorp Genetics (formerly Invitae), Labcorp
Classification: Uncertain significance for Baller-Gerold syndrome. Last evaluated: 2020-07-31. Review status: criteria provided, single submitter. Criteria: Invitae Variant Classification Sherloc (09022015). Collection method: clinical testing. Allele origin: germline.
Comment: This sequence change replaces aspartic acid with asparagine at codon 349 of the RECQL4 protein (p.Asp349Asn). The aspartic acid residue is moderately conserved and there is a small physicochemical difference between aspartic acid and asparagine. This variant is not present in population databases (ExAC no frequency). This variant has not been reported in the literature in individuals with RECQL4-related conditions. Algorithms developed to predict the effect of missense changes on protein structure and function are either unavailable or do not agree on the potential impact of this missense change (SIFT: "Not Available"; PolyPhen-2: "Not Available"; Align-GVGD: "Not Available"). In summary, the available evidence is currently insufficient to determine the role of this variant in disease. Therefore, it has been classified as a Variant of Uncertain Significance.